The following is an entry in ClinVar:

ClinVar aggregate classification (germline): Conflicting classifications of pathogenicity. Review status: criteria provided, conflicting classifications (1 of 4 stars). 12 submissions from 12 submitters: Likely pathogenic (1); Uncertain significance (9). 2 of the submissions do not count toward it. Last evaluated 2026-09-02.

Conditions:
TOR1A-related disorder. Also called: TOR1A-related disorders; TOR1A-related condition.
Dystonic disorder. Also called: Dystonia. Identifiers: MedGen C0013421, MONDO:0003441, HP:0001332.
Dystonia 1, torsion, late-onset. Identifiers: MedGen C4016920.
Early-onset generalized limb-onset dystonia. Also called: Dystonia-1, torsion; Dystonia 1, modifier of; DYSTONIA MUSCULORUM DEFORMANS 1; Early onset torsion dystonia; DYT-TOR1A; DYT1 Early-Onset Primary Dystonia. Identifiers: Orphanet 256, MedGen C1851945, MONDO:0007492, OMIM 128100.

Allele frequency attached by ClinVar (database versions not stated): TOPMed 0.00011; gnomAD 0.00012 and 0.00014; gnomAD exomes 0.00024 and 0.00005; ExAC 0.00002.

Submissions (12):

GeneDx
Classification: Likely pathogenic. Last evaluated: 2026-09-02. Review status: criteria provided, single submitter. Criteria: GeneDx Variant Classification Process June 2021. Collection method: clinical testing. Allele origin: germline.
Comment: Observed with a TOR1A variant on the opposite allele (in trans) in a patient with developmental delay, movement disorder, and spasticity in published literature (PMID: 36757831); Published functional studies demonstrate a damaging effect: cell culture studies show the variant produced frequent inclusion bodies and affected the function of the TOR1A protein; in addition, in vitro studies demonstrate the variant had increased tendency to dimerize, showed altered nuclear morphology, and compromised neurite extension in human neuroblastoma cells (PMID: 19955557, 24930953); In silico analysis supports that this missense variant has a deleterious effect on protein structure/function; This variant is associated with the following publications: (PMID: 27168150, 24862462, 24930953, 28432771, 31090117, 24931141, 32243914, 32289333, 19955557, 20301665, 30877032, 31583275, 30363439, 36757831, 32153140)

PreventionGenetics, part of Exact Sciences
Classification: Uncertain significance for TOR1A-related condition. Last evaluated: 2025-05-06. Review status: criteria provided, single submitter. Criteria: ACMG Guidelines, 2015. Collection method: clinical testing. Allele origin: germline.
Comment: The TOR1A c.613T>A variant is predicted to result in the amino acid substitution p.Phe205Ile. This variant has been reported in individuals with psychiatric issues and late onset focal dystonia (Calakos et al. 2010. PubMed ID: 19955557; Hettich et al. 2014. PubMed ID: 24930953; Park et al. 2019 PubMed ID: 31583275). Functional studies suggest that this variant impairs protein structure similarly to a more common pathogenic variant (Hettich et al. 2014. PubMed ID: 24930953; Long et al. 2017. PubMed ID: 28432771; Kariminejad et al. 2017. PubMed ID: 29053766) and that the variant is located in the highly conserved AAA-ATPase domain critical to protein function (Calakos et al. 2010. PubMed ID: 19955557; Saffari et al. 2023. PubMed ID: 36757831). This variant is reported in 0.012% of alleles in individuals of African descent in gnomAD. At this time, the clinical significance of this variant is uncertain due to the absence of conclusive functional and genetic evidence.

Labcorp Genetics (formerly Invitae), Labcorp
Classification: Uncertain significance for Dystonic disorder. Last evaluated: 2025-04-17. Review status: criteria provided, single submitter. Criteria: Invitae Variant Classification Sherloc (09022015). Collection method: clinical testing. Allele origin: germline.
Comment: This sequence change replaces phenylalanine, which is neutral and non-polar, with isoleucine, which is neutral and non-polar, at codon 205 of the TOR1A protein (p.Phe205Ile). This variant is present in population databases (rs267607134, gnomAD 0.01%). This missense change has been observed in individual(s) with clinical features of TOR1A-related conditions (PMID: 19955557, 30363439, 36757831). ClinVar contains an entry for this variant (Variation ID: 18438). Invitae Evidence Modeling of protein sequence and biophysical properties (such as structural, functional, and spatial information, amino acid conservation, physicochemical variation, residue mobility, and thermodynamic stability) indicates that this missense variant is expected to disrupt TOR1A protein function with a positive predictive value of 80%. Experimental studies have shown that this missense change affects TOR1A function (PMID: 19955557, 24930953, 27168150, 32243914). In summary, the available evidence is currently insufficient to determine the role of this variant in disease. Therefore, it has been classified as a Variant of Uncertain Significance.

Mayo Clinic Laboratories, Mayo Clinic
Classification: Uncertain significance. Last evaluated: 2025-03-19. Review status: criteria provided, single submitter. Criteria: ACMG Guidelines, 2015. Collection method: clinical testing. Allele origin: germline. Observed: 1 variant allele.
Comment: PP3, PS3

Greenwood Genetic Center Diagnostic Laboratories, Greenwood Genetic Center
Classification: Uncertain significance. Last evaluated: 2024-12-12. Review status: criteria provided, single submitter. Criteria: ACMG Guidelines, 2015. Collection method: clinical testing. Allele origin: germline. Affected: yes.
Comment: PS3_Supporting, PM2

Women's Health and Genetics/Laboratory Corporation of America, LabCorp
Classification: Uncertain significance. Last evaluated: 2024-07-05. Review status: criteria provided, single submitter. Criteria: LabCorp Variant Classification Summary - May 2015. Collection method: clinical testing. Allele origin: germline.
Comment: Variant summary: TOR1A c.613T>A (p.Phe205Ile) results in a non-conservative amino acid change in the encoded protein sequence. Four of five in-silico tools predict a damaging effect of the variant on protein function. The variant allele was found at a frequency of 4.8e-05 in 250734 control chromosomes. This frequency is not significantly higher than estimated for a pathogenic variant in TOR1A causing TOR1A Related Disorders, allowing no conclusion about variant significance. c.613T>A has been reported in the literature in individuals affected with TOR1A Related Disorders (e.g. Calakos_2010, Saffari_2023, Gustavsson_2017). These report(s) do not provide unequivocal conclusions about association of the variant with TOR1A Related Disorders. At least one publication reports experimental evidence evaluating an impact on protein function. The most pronounced variant effect results in motor impairment in mice that are homozygous for the variant (Bhagat_2017). The following publications have been ascertained in the context of this evaluation (PMID: 27168150, 19955557, 30363439, 24930953, 31583275, 32243914, 36757831). ClinVar contains an entry for this variant (Variation ID: 18438). Based on the evidence outlined above, the variant was classified as VUS-possibly pathogenic.

CeGaT Center for Human Genetics Tuebingen
Classification: Uncertain significance. Last evaluated: 2022-07-01. Review status: criteria provided, single submitter. Criteria: CeGaT Center For Human Genetics Tuebingen Variant Classification Criteria Version 2. Collection method: clinical testing. Allele origin: germline. Affected: yes. Observed: 1 variant allele.
Comment: TOR1A: PS3:Moderate, PS4:Moderate

Laboratory for Molecular Medicine, Mass General Brigham Personalized Medicine
Classification: Uncertain significance. Last evaluated: 2019-01-11. Review status: criteria provided, single submitter. Criteria: LMM Criteria. Collection method: clinical testing. Allele origin: germline. Observed: 1 variant allele.
Comment: Variant classified as Uncertain Significance - Favor Pathogenic. The p.Phe205Ile variant in TOR1A has been reported in 1 individual with late-onset focal dyston ia (Calakos 2010), but was also identified in 0.01% (13/129134) of European chro mosomes by gnomAD. Computational prediction t ools and conservation analysis suggest that this variant may impact the protein, though this information is not predictive enough to determine pathogenicity. In vitro functional studies support that the variant impacts protein function (Het tich 2014). However, these types of assays may not accurately represent biologic al function. A knock-in mouse model suggests that this variant results in reduce d levels of the TOR1A protein (Bhagat 2016). Furthermore, homozygous p.Phe205Ile knock-in mice exhibit motor impairment and altered synaptic plasticity (Bhagat 2016). However, given that these phenotypes were only observed in homozygous ani mals, it remains unclear if this variant would be expected to cause autosomal do minant primary-onset dystonia. In summary, while there is suspicion for a pathog enic role, the clinical significance of the p.Phe205Ile variant is uncertain. AC MG/AMP Criteria applied: PS3_Moderate, PP3.

Baylor Genetics
Classification: Uncertain significance for Early-onset generalized limb-onset dystonia. Last evaluated: 2018-02-07. Review status: criteria provided, single submitter. Criteria: ACMG Guidelines, 2015. Collection method: clinical testing. Allele origin: paternal. Affected: yes.
Comment: This variant was determined to be of uncertain significance according to ACMG Guidelines, 2015 [PMID:25741868].

Center for Pediatric Genomic Medicine, Children's Mercy Hospital and Clinics
Classification: Uncertain significance. Last evaluated: 2017-09-19. Review status: criteria provided, single submitter. Criteria: ACMG Guidelines, 2015. Collection method: clinical testing. Allele origin: germline.

OMIM
Classification: Pathogenic for DYSTONIA 1, TORSION, LATE-ONSET. Last evaluated: 2014-09-01. Review status: no assertion criteria provided. Collection method: literature only. Allele origin: germline. Not counted in ClinVar's aggregate classification.

GeneReviews
No classification provided. Condition: Early-onset generalized limb-onset dystonia. Review status: no classification provided. Collection method: literature only. Allele origin: germline. Affected: yes. Not counted in ClinVar's aggregate classification.

Literature cited by the submitters: PubMed 19955557 (cited by 5 submitters); PubMed 30363439 (cited by 3 submitters); PubMed 36757831 (cited by 3 submitters); PubMed 24930953 (cited by 5 submitters); PubMed 27168150 (cited by 4 submitters); PubMed 32243914 (cited by 3 submitters); PubMed 24931141 (cited by Mayo Clinic Laboratories, Mayo Clinic and Laboratory for Molecular Medicine, Mass General Brigham Personalized Medicine); PubMed 31583275 (cited by Women's Health and Genetics/Laboratory Corporation of America, LabCorp); NCBI Bookshelf NBK1492 (cited by GeneReviews).

NM_000113.3(TOR1A):c.613T>A (p.Phe205Ile)

Gene: TOR1A (torsin family 1 member A; minus strand). Cytogenetic location: 9q34.11.
Variant type: single nucleotide variant.
Coding change: c.613T>A on transcript NM_000113.3 (MANE Select); coding-DNA position 613, T replaced by A.
Protein change: p.Phe205Ile; replaces phenylalanine 205 with isoleucine.
Molecular consequence: missense variant.
Genome position (GRCh38, 1-based): chr9:129,818,752, A>T on the plus strand (T>A on the coding strand, the complement: TOR1A is on the minus strand). VCF-style: chr9-129818752-A-T. GRCh37 (hg19) VCF-style: chr9-132581031-A-T.
Other names: short protein forms F205I.
Identifiers: ClinVar variation 18438 (VCV000018438.56), dbSNP rs267607134, ClinGen allele CA117320.